The following is an entry in ClinVar:

NM_017947.4(MOCOS):c.233-5G>A

Gene: MOCOS (molybdenum cofactor sulfurase; plus strand). Cytogenetic location: 18q12.2.
Variant type: single nucleotide variant.
Coding change: c.233-5G>A on transcript NM_017947.4 (MANE Select); 5 bases into the intron before coding-DNA position 233, G replaced by A.
Molecular consequence: intron variant.
Genome position (GRCh38, 1-based): chr18:36,198,685, G>A. VCF-style: chr18-36198685-G-A. GRCh37 (hg19) VCF-style: chr18-33778648-G-A.
Identifiers: ClinVar variation 4979328 (VCV004979328.1).

ClinVar aggregate classification (germline): Likely benign (1 of 4 stars; one submission).

Conditions:
MOCOS-related disorder. Also called: MOCOS-related condition.

Submission:

PreventionGenetics, part of Exact Sciences
Classification: Likely benign for MOCOS-related condition. Last evaluated: 2026-04-23. Review status: criteria provided, single submitter. Criteria: ACMG Guidelines, 2015. Collection method: clinical testing. Allele origin: germline.
Comment: This variant is classified as likely benign based on ACMG/AMP sequence variant interpretation guidelines (Richards et al. 2015 PMID: 25741868, with internal and published modifications).